The following is an entry in ClinVar:

NM_001367561.1(DOCK7):c.5414A>T (p.His1805Leu)

Gene: DOCK7 (dedicator of cytokinesis 7; minus strand). Cytogenetic location: 1p31.3.
Variant type: single nucleotide variant.
Coding change: c.5414A>T on transcript NM_001367561.1 (MANE Select); coding-DNA position 5414, A replaced by T.
Protein change: p.His1805Leu; replaces histidine 1805 with leucine.
Molecular consequence: missense variant.
Genome position (GRCh38, 1-based): chr1:62,489,013, T>A on the plus strand (A>T on the coding strand, the complement: DOCK7 is on the minus strand). VCF-style: chr1-62489013-T-A. GRCh37 (hg19) VCF-style: chr1-62954684-T-A.
Other names: c.5387A>T, p.His1796Leu (NM_001271999.2, NM_001330614.2); c.5294A>T, p.His1765Leu (NM_001272000.2, NM_001272001.2); c.5321A>T, p.His1774Leu (NM_033407.4); short protein forms H1796L, H1805L, H1765L, H1774L.
Identifiers: ClinVar variation 2002020 (VCV002002020.4), dbSNP rs760101310, ClinGen allele CA340609018.
Genomic context (GRCh38, chr1:62,489,013, plus strand): 5'-AATGCTTCTTGAAGTTTACCATGAATTGTGGATAGTTTCTTTGCATCCCGATTAGCTTCA[T>A]GAATAGGAATAAGTACTTTGTAAACTTCATTAACTGCTTCATACATGCCAGCCTATAAGA-3'
Protein context (NP_001354490.1, residues 1795-1815): NEVYKVLIPI[His1805Leu]EANRDAKKLS

ClinVar aggregate classification (germline): Uncertain significance (1 of 4 stars; one submission).

Conditions:
Developmental and epileptic encephalopathy, 23 (DEE23). Also called: Epileptic encephalopathy, early infantile, 23. Identifiers: Orphanet 411986, MedGen C4014492, MONDO:0014371, OMIM 615859.

Submission:

Labcorp Genetics (formerly Invitae), Labcorp
Classification: Uncertain significance for Developmental and epileptic encephalopathy, 23. Last evaluated: 2022-06-02. Review status: criteria provided, single submitter. Criteria: Invitae Variant Classification Sherloc (09022015). Collection method: clinical testing. Allele origin: germline.
Comment: This variant has not been reported in the literature in individuals affected with DOCK7-related conditions. In summary, the available evidence is currently insufficient to determine the role of this variant in disease. Therefore, it has been classified as a Variant of Uncertain Significance. Algorithms developed to predict the effect of missense changes on protein structure and function (SIFT, PolyPhen-2, Align-GVGD) all suggest that this variant is likely to be tolerated. This variant is not present in population databases (gnomAD no frequency). This sequence change replaces histidine, which is basic and polar, with leucine, which is neutral and non-polar, at codon 1796 of the DOCK7 protein (p.His1796Leu).